The following is an entry in ClinVar:

NM_001349253.2(SCN11A):c.5234G>A (p.Arg1745Gln)

Gene: SCN11A (sodium voltage-gated channel alpha subunit 11; minus strand). Cytogenetic location: 3p22.2.
Variant type: single nucleotide variant.
Coding change: c.5234G>A on transcript NM_001349253.2 (MANE Select); coding-DNA position 5234, G replaced by A.
Protein change: p.Arg1745Gln; replaces arginine 1745 with glutamine.
Molecular consequence: missense variant.
Genome position (GRCh38, 1-based): chr3:38,846,836, C>T on the plus strand (G>A on the coding strand, the complement: SCN11A is on the minus strand). VCF-style: chr3-38846836-C-T. GRCh37 (hg19) VCF-style: chr3-38888327-C-T.
Other names: c.5234G>A, p.Arg1745Gln (NM_014139.3); short protein forms R1745Q.
Identifiers: ClinVar variation 938736 (VCV000938736.7), dbSNP rs762191660, ClinGen allele CA2321366.

ClinVar aggregate classification (germline): Uncertain significance. Review status: criteria provided, multiple submitters, no conflicts (2 of 4 stars). 2 submissions from 2 submitters: Uncertain significance (2). Last evaluated 2026-01-07.

Conditions:
SCN11A-related disorder. Also called: SCN11A-related condition.
Familial episodic pain syndrome with predominantly lower limb involvement. Also called: Episodic pain syndrome, familial, 3. Identifiers: Orphanet 391384, Orphanet 391392, MedGen C3809899, MONDO:0014247, OMIM 615552.
Hereditary sensory and autonomic neuropathy type 7. Also called: HSAN VII; Neuropathy, hereditary sensory and autonomic, type VII. Identifiers: Orphanet 391397, MedGen C3809882, MONDO:0014244, OMIM 615548.

Allele frequency attached by ClinVar (database versions not stated): ExAC 0.00002; gnomAD exomes 0.00002 and 0.00003; gnomAD 0.00003.
gnomAD v4.1: 41 of 1,613,928 alleles (0.0025%); highest among the groups gnomAD compares: African/African-American, 0.004%; no homozygotes.

Submissions (2):

PreventionGenetics, part of Exact Sciences
Classification: Uncertain significance for SCN11A-related condition. Last evaluated: 2026-01-07. Review status: criteria provided, single submitter. Criteria: ACMG Guidelines, 2015. Collection method: clinical testing. Allele origin: germline.
Comment: The SCN11A c.5234G>A variant is predicted to result in the amino acid substitution p.Arg1745Gln. To our knowledge, this variant has not been reported in the literature. This variant is reported in 0.0054% of alleles in individuals of European (Non-Finnish) descent in gnomAD. At this time, the clinical significance of this variant is uncertain due to the absence of conclusive functional and genetic evidence.

Labcorp Genetics (formerly Invitae), Labcorp
Classification: Uncertain significance for Familial episodic pain syndrome with predominantly lower limb involvement; Hereditary sensory and autonomic neuropathy type 7. Last evaluated: 2025-02-20. Review status: criteria provided, single submitter. Criteria: Invitae Variant Classification Sherloc (09022015). Collection method: clinical testing. Allele origin: germline.
Comment: This sequence change replaces arginine, which is basic and polar, with glutamine, which is neutral and polar, at codon 1745 of the SCN11A protein (p.Arg1745Gln). This variant is present in population databases (rs762191660, gnomAD 0.006%). This variant has not been reported in the literature in individuals affected with SCN11A-related conditions. ClinVar contains an entry for this variant (Variation ID: 938736). Invitae Evidence Modeling of protein sequence and biophysical properties (such as structural, functional, and spatial information, amino acid conservation, physicochemical variation, residue mobility, and thermodynamic stability) has been performed for this missense variant. However, the output from this modeling did not meet the statistical confidence thresholds required to predict the impact of this variant on SCN11A protein function. In summary, the available evidence is currently insufficient to determine the role of this variant in disease. Therefore, it has been classified as a Variant of Uncertain Significance.